The following is an entry in ClinVar:

ClinVar aggregate classification (germline): Uncertain significance. Review status: criteria provided, multiple submitters, no conflicts (2 of 4 stars). 3 submissions from 3 submitters: Uncertain significance (3). Last evaluated 2025-11-06.

Conditions:
Inborn genetic diseases. Identifiers: MedGen C0950123, MeSH D030342.
Cataract 6 multiple types. Also called: CATARACT 6, POSTERIOR POLAR; CATARACT 6, CONGENITAL TOTAL; CATARACT, AGE-RELATED CORTICAL, 2. Identifiers: Orphanet 91492, MedGen C1861825, MONDO:0007288, OMIM 116600.

Allele frequency attached by ClinVar (database versions not stated): TOPMed 0.00011; ExAC 0.00013; gnomAD exomes 0.00014; gnomAD 0.00011; ESP Exome Variant Server 0.00031.

Submissions (3):

Labcorp Genetics (formerly Invitae), Labcorp
Classification: Uncertain significance for Cataract 6 multiple types. Last evaluated: 2025-11-06. Review status: criteria provided, single submitter. Criteria: Invitae Variant Classification Sherloc (09022015). Collection method: clinical testing. Allele origin: germline.
Comment: This sequence change replaces threonine, which is neutral and polar, with arginine, which is basic and polar, at codon 336 of the EPHA2 protein (p.Thr336Arg). This variant is present in population databases (rs146085387, gnomAD 0.02%). This variant has not been reported in the literature in individuals affected with EPHA2-related conditions. ClinVar contains an entry for this variant (Variation ID: 2273575). Invitae Evidence Modeling of protein sequence and biophysical properties (such as structural, functional, and spatial information, amino acid conservation, physicochemical variation, residue mobility, and thermodynamic stability) indicates that this missense variant is not expected to disrupt EPHA2 protein function with a negative predictive value of 80%. In summary, the available evidence is currently insufficient to determine the role of this variant in disease. Therefore, it has been classified as a Variant of Uncertain Significance.

Department of Pathology and Laboratory Medicine, Sinai Health System
Classification: Uncertain significance for Cataract 6 multiple types. Last evaluated: 2021-12-20. Review status: criteria provided, single submitter. Criteria: ACMG Guidelines, 2015. Collection method: research. Allele origin: germline.

Ambry Genetics
Classification: Uncertain significance for Inborn genetic diseases. Last evaluated: 2021-09-17. Review status: criteria provided, single submitter. Criteria: Ambry Variant Classification Scheme 2023. Collection method: clinical testing. Allele origin: germline.

NM_004431.5(EPHA2):c.1007C>G (p.Thr336Arg)

Gene: EPHA2 (EPH receptor A2; minus strand). Cytogenetic location: 1p36.13.
Variant type: single nucleotide variant.
Coding change: c.1007C>G on transcript NM_004431.5 (MANE Select); coding-DNA position 1007, C replaced by G.
Protein change: p.Thr336Arg; replaces threonine 336 with arginine.
Molecular consequence: missense variant.
Genome position (GRCh38, 1-based): chr1:16,138,158, G>C on the plus strand (C>G on the coding strand, the complement: EPHA2 is on the minus strand). VCF-style: chr1-16138158-G-C. GRCh37 (hg19) VCF-style: chr1-16464653-G-C.
Other names: c.845C>G, p.Thr282Arg (NM_001329090.2); short protein forms T336R, T282R.
Identifiers: ClinVar variation 2273575 (VCV002273575.4), dbSNP rs146085387, ClinGen allele CA625345.